The following is an entry in ClinVar:

NM_145239.3(PRRT2):c.110T>C (p.Val37Ala)

Genes: MVP-DT (MVP divergent transcript; minus strand), PRRT2 (proline rich transmembrane protein 2; plus strand). Cytogenetic location: 16p11.2.
Variant type: single nucleotide variant.
Coding change: c.110T>C on transcript NM_145239.3 (MANE Select); coding-DNA position 110, T replaced by C.
Protein change: p.Val37Ala; replaces valine 37 with alanine.
Molecular consequence: missense variant.
Genome position (GRCh38, 1-based): chr16:29,813,164, T>C. VCF-style: chr16-29813164-T-C. GRCh37 (hg19) VCF-style: chr16-29824485-T-C.
Other names: c.110T>C, p.Val37Ala (NM_001256442.2, NM_001256443.2); short protein forms V37A.
Identifiers: ClinVar variation 3718939 (VCV003718939.2).
Genomic context (GRCh38, chr16:29,813,164, plus strand): 5'-GTCCCAAGGTTCCAGGCGAAGGGCCTGGCCATTCTGAAGCTGAAACTGGCCCTCCCCAGG[T>C]CCTAGCAGGGGTACCAGACCAGCCAGAGGCCCCGCAGCCAGGTCCAAACACCACTGCGGC-3'
Protein context (NP_660282.2, residues 27-47): HSEAETGPPQ[Val37Ala]LAGVPDQPEA

ClinVar aggregate classification (germline): Uncertain significance (1 of 4 stars; one submission).

Conditions:
Episodic kinesigenic dyskinesia (EKD). Also called: Paroxysmal kinesigenic dyskinesia. Identifiers: Orphanet 98809, MedGen C1868682, MONDO:0044202.

Submission:

Labcorp Genetics (formerly Invitae), Labcorp
Classification: Uncertain significance for Episodic kinesigenic dyskinesia. Last evaluated: 2024-03-27. Review status: criteria provided, single submitter. Criteria: Invitae Variant Classification Sherloc (09022015). Collection method: clinical testing. Allele origin: germline.
Comment: This sequence change replaces valine, which is neutral and non-polar, with alanine, which is neutral and non-polar, at codon 37 of the PRRT2 protein (p.Val37Ala). This variant is not present in population databases (gnomAD no frequency). This variant has not been reported in the literature in individuals affected with PRRT2-related conditions. Advanced modeling of protein sequence and biophysical properties (such as structural, functional, and spatial information, amino acid conservation, physicochemical variation, residue mobility, and thermodynamic stability) performed at Invitae indicates that this missense variant is not expected to disrupt PRRT2 protein function with a negative predictive value of 95%. In summary, the available evidence is currently insufficient to determine the role of this variant in disease. Therefore, it has been classified as a Variant of Uncertain Significance.